The following is an entry in ClinVar:

NM_004320.6(ATP2A1):c.2702T>C (p.Leu901Pro)

Gene: ATP2A1 (ATPase sarcoplasmic/endoplasmic reticulum Ca2+ transporting 1; plus strand). Cytogenetic location: 16p11.2.
Variant type: single nucleotide variant.
Coding change: c.2702T>C on transcript NM_004320.6 (MANE Select); coding-DNA position 2702, T replaced by C.
Protein change: p.Leu901Pro; replaces leucine 901 with proline.
Molecular consequence: missense variant.
Genome position (GRCh38, 1-based): chr16:28,902,869, T>C. VCF-style: chr16-28902869-T-C. GRCh37 (hg19) VCF-style: chr16-28914190-T-C.
Other names: c.2327T>C, p.Leu776Pro (NM_001286075.2); c.2702T>C, p.Leu901Pro (NM_173201.5); short protein forms L901P, L776P.
Identifiers: ClinVar variation 2696860 (VCV002696860.2), dbSNP rs1434948880, ClinGen allele CA395415297.
Genomic context (GRCh38, chr16:28,902,869, plus strand): 5'-CCCACTTTGAGGGCATAGACTGTGAGGTCTTCGAGGCCCCCGAGCCCATGACCATGGCCC[T>C]GTCCGTGCTGGTGACCATCGAGATGTGCAATGCACTGAACAGGTGGGGGCCCCCCAGCTA-3'
Protein context (NP_004311.1, residues 891-911): FEAPEPMTMA[Leu901Pro]SVLVTIEMCN

ClinVar aggregate classification (germline): Uncertain significance (1 of 4 stars; one submission).

Conditions:
Brody myopathy. Also called: BRODY DISEASE. Identifiers: Orphanet 53347, MedGen C1832918, MONDO:0010977, OMIM 601003.

Allele frequency attached by ClinVar (database versions not stated): gnomAD 0.00001; gnomAD exomes 0.00001; TOPMed 0.00002.
gnomAD v4.1: 6 of 1,613,854 alleles (0.00037%); highest among the groups gnomAD compares: Non-Finnish European, 0.00051%; no homozygotes.

Submission:

Labcorp Genetics (formerly Invitae), Labcorp
Classification: Uncertain significance for Brody myopathy. Last evaluated: 2023-04-23. Review status: criteria provided, single submitter. Criteria: Invitae Variant Classification Sherloc (09022015). Collection method: clinical testing. Allele origin: germline.
Comment: In summary, the available evidence is currently insufficient to determine the role of this variant in disease. Therefore, it has been classified as a Variant of Uncertain Significance. An algorithm developed to predict the effect of missense changes on protein structure and function (PolyPhen-2) suggests that this variant is likely to be disruptive. This variant has not been reported in the literature in individuals affected with ATP2A1-related conditions. This variant is not present in population databases (gnomAD no frequency). This sequence change replaces leucine, which is neutral and non-polar, with proline, which is neutral and non-polar, at codon 901 of the ATP2A1 protein (p.Leu901Pro).